The following is an entry in ClinVar:

NM_000481.4(AMT):c.664C>A (p.Arg222Ser)

Gene: AMT (aminomethyltransferase; minus strand). Cytogenetic location: 3p21.31.
Variant type: single nucleotide variant.
Coding change: c.664C>A on transcript NM_000481.4 (MANE Select); coding-DNA position 664, C replaced by A.
Protein change: p.Arg222Ser; replaces arginine 222 with serine.
Molecular consequence: missense variant. On other transcripts: non-coding transcript variant (1).
Genome position (GRCh38, 1-based): chr3:49,419,292, G>T on the plus strand (C>A on the coding strand, the complement: AMT is on the minus strand). VCF-style: chr3-49419292-G-T. GRCh37 (hg19) VCF-style: chr3-49456725-G-T.
Other names: c.532C>A, p.Arg178Ser (NM_001164710.2); c.496C>A, p.Arg166Ser (NM_001164711.2); c.664C>A, p.Arg222Ser (NM_001164712.2); short protein forms R222S, R166S, R178S.
Identifiers: ClinVar variation 1469564 (VCV001469564.6), dbSNP rs781466698, ClinGen allele CA352790110.
Genomic context (GRCh38, chr3:49,419,292, plus strand): 5'-ACTGCCCCCACACCACTTCTTGACACACCTCCACACCATCCTCTCCTGTGTAGCCACAGC[G>T]GGTCACGCGGCAGCCAGACACGCCAAACACCTCCATCACAGCACTGGTCATGAAGGGCAG-3'
Protein context (NP_000472.2, residues 212-232): VFGVSGCRVT[Arg222Ser]CGYTGEDGVE

ClinVar aggregate classification (germline): Likely pathogenic (1 of 4 stars; one submission).

Conditions:
Glycine encephalopathy. Also called: Non-ketotic hyperglycinemia; Nonketotic hyperglycinemia. Identifiers: Orphanet 407, MedGen C0751748, MONDO:0011612, HP:0008288.

Submission:

Labcorp Genetics (formerly Invitae), Labcorp
Classification: Likely pathogenic for Glycine encephalopathy. Last evaluated: 2023-08-22. Review status: criteria provided, single submitter. Criteria: Invitae Variant Classification Sherloc (09022015). Collection method: clinical testing. Allele origin: germline.
Comment: Advanced modeling of protein sequence and biophysical properties (such as structural, functional, and spatial information, amino acid conservation, physicochemical variation, residue mobility, and thermodynamic stability) performed at Invitae indicates that this missense variant is expected to disrupt AMT protein function. In summary, the currently available evidence indicates that the variant is pathogenic, but additional data are needed to prove that conclusively. Therefore, this variant has been classified as Likely Pathogenic. This variant disrupts the p.Arg222 amino acid residue in AMT. Other variant(s) that disrupt this residue have been determined to be pathogenic (PMID: 25231368, 26179960). This suggests that this residue is clinically significant, and that variants that disrupt this residue are likely to be disease-causing. ClinVar contains an entry for this variant (Variation ID: 1469564). This variant has not been reported in the literature in individuals affected with AMT-related conditions. This variant is not present in population databases (gnomAD no frequency). This sequence change replaces arginine, which is basic and polar, with serine, which is neutral and polar, at codon 222 of the AMT protein (p.Arg222Ser).

Literature cited by the submitters: PubMed 25231368; PubMed 26179960.